The following is an entry in ClinVar:

NM_030962.4(SBF2):c.5073G>T (p.Val1691=)

Genes: SBF2 (SET binding factor 2; minus strand), SBF2-AS1 (SBF2 antisense RNA 1; plus strand), LOC105369149 (uncharacterized LOC105369149; plus strand). Cytogenetic location: 11p15.4.
Variant type: single nucleotide variant.
Coding change: c.5073G>T on transcript NM_030962.4 (MANE Select); coding-DNA position 5073, G replaced by T.
Protein change: p.Val1691=; no amino-acid change (valine 1691 retained).
Molecular consequence: synonymous variant.
Genome position (GRCh38, 1-based): chr11:9,785,283, C>A on the plus strand (G>T on the coding strand, the complement: SBF2 is on the minus strand). VCF-style: chr11-9785283-C-A. GRCh37 (hg19) VCF-style: chr11-9806830-C-A.
Other names: p.Val1691=; c.5169G>T, p.Val1723= (NM_001386339.1); c.4944G>T, p.Val1648= (NM_001386342.1).
Identifiers: ClinVar variation 700954 (VCV000700954.14), dbSNP rs373722394, ClinGen allele CA5880791.

ClinVar aggregate classification (germline): Likely benign. Review status: criteria provided, multiple submitters, no conflicts (2 of 4 stars). 4 submissions from 4 submitters: Likely benign (4). Last evaluated 2026-02-18.

Conditions:
Charcot-Marie-Tooth disease type 4. Also called: Charcot-Marie-Tooth disease, type IV; Charcot-Marie-Tooth, Type 4. Identifiers: Orphanet 64749, MedGen C4082197, MONDO:0018995.
SBF2-related disorder. Also called: SBF2-related condition.

Allele frequency attached by ClinVar (database versions not stated): gnomAD 0.00001; ExAC 0.00002; TOPMed 0.00004; ESP Exome Variant Server 0.00008.
gnomAD v4.1: 43 of 1,614,082 alleles (0.0027%); highest among the groups gnomAD compares: Middle Eastern, 0.016%; no homozygotes.

Submissions (4):

PreventionGenetics, part of Exact Sciences
Classification: Likely benign for SBF2-related condition. Last evaluated: 2026-02-18. Review status: criteria provided, single submitter. Criteria: ACMG Guidelines, 2015. Collection method: clinical testing. Allele origin: germline.
Comment: This variant is classified as likely benign based on ACMG/AMP sequence variant interpretation guidelines (Richards et al. 2015 PMID: 25741868, with internal and published modifications).

Labcorp Genetics (formerly Invitae), Labcorp
Classification: Likely benign for Charcot-Marie-Tooth disease type 4. Last evaluated: 2025-12-23. Review status: criteria provided, single submitter. Criteria: Invitae Variant Classification Sherloc (09022015). Collection method: clinical testing. Allele origin: germline.

Mayo Clinic Laboratories, Mayo Clinic
Classification: Likely benign. Last evaluated: 2025-05-27. Review status: criteria provided, single submitter. Criteria: ACMG Guidelines, 2015. Collection method: clinical testing. Allele origin: germline. Observed: 1 variant allele.
Comment: BP4, BP7

Blueprint Genetics
Classification: Likely benign. Last evaluated: 2023-02-17. Review status: criteria provided, single submitter. Criteria: ACMG Guidelines, 2015. Collection method: clinical testing. Allele origin: germline.